The following is an entry in ClinVar:

ClinVar aggregate classification (germline): Likely benign. Review status: criteria provided, single submitter (1 of 4 stars). 2 submissions from 2 submitters: Likely benign (1). 1 of the submissions does not count toward it. Last evaluated 2024-03-11.

Conditions:
LTBP4-related disorder. Also called: LTBP4-related condition.

Allele frequency attached by ClinVar (database versions not stated): gnomAD 0.00233; 1000 Genomes Project 0.00220; TOPMed 0.00257; ExAC 0.00026; 1000 Genomes Project 30x 0.00250.
gnomAD v4.1: 648 of 1,523,686 alleles (0.043%); highest among the groups gnomAD compares: African/African-American, 0.8%; 5 homozygotes.

Submissions (2):

Blueprint Genetics
Classification: Likely benign. Last evaluated: 2024-03-11. Review status: criteria provided, single submitter. Criteria: ACMG Guidelines, 2015. Collection method: clinical testing. Allele origin: germline.

PreventionGenetics, part of Exact Sciences
Classification: Benign for LTBP4-related condition. Last evaluated: 2020-02-19. Review status: no assertion criteria provided. Collection method: clinical testing. Allele origin: germline. Not counted in ClinVar's aggregate classification.
Comment: This variant is classified as benign based on ACMG/AMP sequence variant interpretation guidelines (Richards et al. 2015 PMID: 25741868, with internal and published modifications).

NM_001042544.1(LTBP4):c.114C>A (p.Val38=)

Gene: LTBP4 (latent transforming growth factor beta binding protein 4; plus strand). Cytogenetic location: 19q13.2.
Variant type: single nucleotide variant.
Coding change: c.114C>A on transcript NM_001042544.1; coding-DNA position 114, C replaced by A.
Protein change: p.Val38=; no amino-acid change (valine 38 retained).
Molecular consequence: synonymous variant. On other transcripts: intron variant (1).
Genome position (GRCh38, 1-based): chr19:40,597,348, C>A. VCF-style: chr19-40597348-C-A. GRCh37 (hg19) VCF-style: chr19-41103254-C-A.
Other names: c.17-1849C>A (NM_003573.2).
Identifiers: ClinVar variation 3035573 (VCV003035573.3), dbSNP rs187391485, ClinGen allele CA9447903.
Genomic context (GRCh38, chr19:40,597,348, plus strand): 5'-GCCGCTCTTCGCAGCCGCCACCTCCGCCGCCAGCCCCAGCCCCAGCCCCAGCCAGGTCGT[C>A]GAGGTCCCGGGGGTCCCCAGCCGCCCGGCCAGGTAAGCCCCCTGCTTCCTTGTGCCCCTT-3'